The following is an entry in ClinVar:

ClinVar aggregate classification (germline): Uncertain significance (1 of 4 stars; one submission).

Allele frequency attached by ClinVar (database versions not stated): ExAC 0.00001; gnomAD 0.00001; TOPMed 0.00001.
gnomAD v4.1: 21 of 1,605,872 alleles (0.0013%); highest among the groups gnomAD compares: East Asian, 0.0022%; no homozygotes.

Submission:

CeGaT Center for Human Genetics Tuebingen
Classification: Uncertain significance. Last evaluated: 2023-11-01. Review status: criteria provided, single submitter. Criteria: CeGaT Center For Human Genetics Tuebingen Variant Classification Criteria Version 2. Collection method: clinical testing. Allele origin: germline. Affected: yes. Observed: 1 variant allele.
Comment: CCDC88C: PM2, BP4

NM_001080414.4(CCDC88C):c.3677G>A (p.Arg1226Gln)

Gene: CCDC88C (coiled-coil and HOOK domain protein 88C; minus strand). Cytogenetic location: 14q32.11.
Variant type: single nucleotide variant.
Coding change: c.3677G>A on transcript NM_001080414.4 (MANE Select); coding-DNA position 3677, G replaced by A.
Protein change: p.Arg1226Gln; replaces arginine 1226 with glutamine.
Molecular consequence: missense variant.
Genome position (GRCh38, 1-based): chr14:91,300,029, C>T on the plus strand (G>A on the coding strand, the complement: CCDC88C is on the minus strand). VCF-style: chr14-91300029-C-T. GRCh37 (hg19) VCF-style: chr14-91766373-C-T.
Other names: short protein forms R1226Q.
Identifiers: ClinVar variation 2672566 (VCV002672566.23), dbSNP rs764944022, ClinGen allele CA7309242.